The following is an entry in ClinVar:

NM_018344.6(SLC29A3):c.1124A>G (p.Asn375Ser)

Gene: SLC29A3 (solute carrier family 29 member 3; plus strand). Cytogenetic location: 10q22.1.
Variant type: single nucleotide variant.
Coding change: c.1124A>G on transcript NM_018344.6 (MANE Select); coding-DNA position 1124, A replaced by G.
Protein change: p.Asn375Ser; replaces asparagine 375 with serine.
Molecular consequence: missense variant. On other transcripts: 3 prime UTR variant (1), non-coding transcript variant (2).
Genome position (GRCh38, 1-based): chr10:71,362,304, A>G. VCF-style: chr10-71362304-A-G. GRCh37 (hg19) VCF-style: chr10-73122061-A-G.
Other names: c.*353A>G (NM_001174098.2); c.890A>G, p.Asn297Ser (NM_001363518.2); short protein forms N375S, N297S.
Identifiers: ClinVar variation 863259 (VCV000863259.9), dbSNP rs150398575, ClinGen allele CA5543121.

ClinVar aggregate classification (germline): Uncertain significance. Review status: criteria provided, multiple submitters, no conflicts (2 of 4 stars). 3 submissions from 3 submitters: Uncertain significance (3). Last evaluated 2024-12-31.

Conditions:
H syndrome. Also called: HISTIOCYTOSIS AND LYMPHADENOPATHY WITH OR WITHOUT CUTANEOUS, CARDIAC, AND/OR ENDOCRINE FEATURES, JOINT CONTRACTURES, AND/OR DEAFNESS; HYPERPIGMENTATION, CUTANEOUS, WITH HYPERTRICHOSIS, HEPATOSPLENOMEGALY, HEART ANOMALIES, AND HYPOGONADISM WITH OR WITHOUT HEARING LOSS; PIGMENTED HYPERTRICHOSIS WITH INSULIN-DEPENDENT DIABETES MELLITUS; ROSAI-DORFMAN DISEASE, FAMILIAL; SINUS HISTIOCYTOSIS AND MASSIVE LYMPHADENOPATHY; Hyperpigmentation, Cutaneous, with Hypertrichosis, Hepatosplenomegaly, Heart Anomalies, Hearing Loss, and Hypogonadism. Identifiers: Orphanet 168569, MedGen C1864445, MONDO:0011273, OMIM 602782.
Inborn genetic diseases. Identifiers: MedGen C0950123, MeSH D030342.

Allele frequency attached by ClinVar (database versions not stated): ExAC 0.00004; gnomAD exomes 0.00004 and 0.00014; gnomAD 0.00005 and 0.00006; TOPMed 0.00005; ESP Exome Variant Server 0.00015.

Submissions (3):

Labcorp Genetics (formerly Invitae), Labcorp
Classification: Uncertain significance for H syndrome. Last evaluated: 2024-12-31. Review status: criteria provided, single submitter. Criteria: Invitae Variant Classification Sherloc (09022015). Collection method: clinical testing. Allele origin: germline.
Comment: This sequence change replaces asparagine, which is neutral and polar, with serine, which is neutral and polar, at codon 375 of the SLC29A3 protein (p.Asn375Ser). This variant is present in population databases (rs150398575, gnomAD 0.006%). This variant has not been reported in the literature in individuals affected with SLC29A3-related conditions. ClinVar contains an entry for this variant (Variation ID: 863259). Invitae Evidence Modeling of protein sequence and biophysical properties (such as structural, functional, and spatial information, amino acid conservation, physicochemical variation, residue mobility, and thermodynamic stability) indicates that this missense variant is not expected to disrupt SLC29A3 protein function with a negative predictive value of 95%. In summary, the available evidence is currently insufficient to determine the role of this variant in disease. Therefore, it has been classified as a Variant of Uncertain Significance.

Ambry Genetics
Classification: Uncertain significance for Inborn genetic diseases. Last evaluated: 2023-12-26. Review status: criteria provided, single submitter. Criteria: Ambry Variant Classification Scheme 2023. Collection method: clinical testing. Allele origin: germline.

Center for Genomics, Ann and Robert H. Lurie Children's Hospital of Chicago
Classification: Uncertain significance for H syndrome. Last evaluated: 2022-10-28. Review status: criteria provided, single submitter. Criteria: ACMG Guidelines, 2015. Collection method: clinical testing. Allele origin: germline.
Comment: This variant has not been reported in the literature but is present in the Genome Aggregation Database (Highest reported MAF 0.01% (8/68066). This variant is present in ClinVar (Variation ID:863259). Evolutionary conservation and computational predictive tools suggest that this variant may not impact the protein. In summary, data on this variant is insufficient for disease classification. Therefore, the clinical significance of this variant is uncertain.